The following is an entry in ClinVar:

ClinVar aggregate classification (germline): Uncertain significance. Review status: criteria provided, multiple submitters, no conflicts (2 of 4 stars). 3 submissions from 3 submitters: Uncertain significance (3). Last evaluated 2022-10-05.

Conditions:
Nemaline myopathy 2 (NEM2). Also called: Nemaline myopathy 2, autosomal recessive. Identifiers: MedGen C1850569, MONDO:0009725, OMIM 256030.

Allele frequency attached by ClinVar (database versions not stated): gnomAD exomes below 0.00001 and 0.00002; gnomAD 0.00001; TOPMed 0.00001.
gnomAD v4.1: 31 of 1,613,696 alleles (0.0019%); highest among the groups gnomAD compares: Middle Eastern, 0.016%; no homozygotes.

Submissions (3):

Labcorp Genetics (formerly Invitae), Labcorp
Classification: Uncertain significance for Nemaline myopathy 2. Last evaluated: 2022-10-05. Review status: criteria provided, single submitter. Criteria: Invitae Variant Classification Sherloc (09022015). Collection method: clinical testing. Allele origin: germline.
Comment: This sequence change replaces arginine, which is basic and polar, with cysteine, which is neutral and slightly polar, at codon 6025 of the NEB protein (p.Arg6025Cys). This variant is not present in population databases (gnomAD no frequency). This variant has not been reported in the literature in individuals affected with NEB-related conditions. ClinVar contains an entry for this variant (Variation ID: 331459). Algorithms developed to predict the effect of missense changes on protein structure and function are either unavailable or do not agree on the potential impact of this missense change (SIFT: "Deleterious"; PolyPhen-2: "Not Available"; Align-GVGD: "Class C0"). In summary, the available evidence is currently insufficient to determine the role of this variant in disease. Therefore, it has been classified as a Variant of Uncertain Significance.

Revvity Omics, Revvity
Classification: Uncertain significance. Last evaluated: 2019-11-19. Review status: criteria provided, single submitter. Criteria: ACMG Guidelines, 2015. Collection method: clinical testing. Allele origin: germline.

Illumina Laboratory Services, Illumina
Classification: Uncertain significance for Nemaline myopathy 2. Last evaluated: 2018-01-13. Review status: criteria provided, single submitter. Criteria: ICSL Variant Classification Criteria 13 December 2019. Collection method: clinical testing. Allele origin: germline.

NM_001164508.2(NEB):c.18073C>T (p.Arg6025Cys)

Gene: NEB (nebulin; minus strand). Cytogenetic location: 2q23.3.
Variant type: single nucleotide variant.
Coding change: c.18073C>T on transcript NM_001164508.2 (MANE Select); coding-DNA position 18073, C replaced by T.
Protein change: p.Arg6025Cys; replaces arginine 6025 with cysteine.
Molecular consequence: missense variant.
Genome position (GRCh38, 1-based): chr2:151,567,251, G>A on the plus strand (C>T on the coding strand, the complement: NEB is on the minus strand). VCF-style: chr2-151567251-G-A. GRCh37 (hg19) VCF-style: chr2-152423765-G-A.
Other names: c.18073C>T (NM_001271208.1); c.18073C>T, p.Arg6025Cys (NM_001164507.2, NM_001271208.2); c.12970C>T, p.Arg4324Cys (NM_004543.5); short protein forms R4324C, R6025C.
Identifiers: ClinVar variation 331459 (VCV000331459.8), dbSNP rs765174060, ClinGen allele CA10612421.
Genomic context (GRCh38, chr2:151,567,251, plus strand): 5'-TTCTTGCCTGAATAACATCGTTCTGGTCAGGATGACACATCCATTGGTGCAAGTAATTAC[G>A]ATAATCAATATCACTGACAAGGGTCTGCCCCTGCTTGGCGGCCAAGACTGACACCATATC-3'
Protein context (NP_001157980.2, residues 6015-6035): GQTLVSDIDY[Arg6025Cys]NYLHQWMCHP